The following is an entry in ClinVar:

ClinVar aggregate classification (germline): Uncertain significance. Review status: criteria provided, multiple submitters, no conflicts (2 of 4 stars). 2 submissions from 2 submitters: Uncertain significance (2). Last evaluated 2022-06-29.

Allele frequency attached by ClinVar (database versions not stated): gnomAD 0.00006; TOPMed 0.00010; gnomAD exomes 0.00017; ExAC 0.00018.

Submissions (2):

Labcorp Genetics (formerly Invitae), Labcorp
Classification: Uncertain significance. Last evaluated: 2022-06-29. Review status: criteria provided, single submitter. Criteria: Invitae Variant Classification Sherloc (09022015). Collection method: clinical testing. Allele origin: germline.
Comment: This sequence change replaces proline, which is neutral and non-polar, with serine, which is neutral and polar, at codon 364 of the ACY1 protein (p.Pro364Ser). This variant is present in population databases (rs777813954, gnomAD 0.1%). This variant has not been reported in the literature in individuals affected with ACY1-related conditions. Algorithms developed to predict the effect of missense changes on protein structure and function are either unavailable or do not agree on the potential impact of this missense change (SIFT: "Tolerated"; PolyPhen-2: "Probably Damaging"; Align-GVGD: "Class C0"). In summary, the available evidence is currently insufficient to determine the role of this variant in disease. Therefore, it has been classified as a Variant of Uncertain Significance.

GeneDx
Classification: Uncertain significance. Last evaluated: 2022-02-03. Review status: criteria provided, single submitter. Criteria: GeneDx Variant Classification Process June 2021. Collection method: clinical testing. Allele origin: germline. Affected: yes.
Comment: In silico analysis supports that this missense variant has a deleterious effect on protein structure/function; Has not been previously published as pathogenic or benign to our knowledge

NM_000666.3(ACY1):c.1090C>T (p.Pro364Ser)

Genes: ABHD14A-ACY1 (ABHD14A-ACY1 readthrough; plus strand), ACY1 (aminoacylase 1; plus strand). Cytogenetic location: 3p21.2.
Variant type: single nucleotide variant.
Coding change: c.1090C>T on transcript NM_000666.3 (MANE Select); coding-DNA position 1090, C replaced by T.
Protein change: p.Pro364Ser; replaces proline 364 with serine.
Molecular consequence: missense variant.
Genome position (GRCh38, 1-based): chr3:51,988,938, C>T. VCF-style: chr3-51988938-C-T. GRCh37 (hg19) VCF-style: chr3-52022954-C-T.
Other names: c.1360C>T, p.Pro454Ser (NM_001316331.2); c.1090C>T, p.Pro364Ser (NM_001198895.2); c.874C>T, p.Pro292Ser (NM_001198896.2); c.895C>T, p.Pro299Ser (NM_001198897.2); c.985C>T, p.Pro329Ser (NM_001198898.2); short protein forms P292S, P299S, P329S, P364S, P454S.
Identifiers: ClinVar variation 1700275 (VCV001700275.4), dbSNP rs777813954, ClinGen allele CA2428758.